The following is an entry in ClinVar:

ClinVar aggregate classification (germline): Benign/Likely benign. Review status: criteria provided, multiple submitters, no conflicts (2 of 4 stars). 9 submissions from 9 submitters: Benign (7); Likely benign (2). Last evaluated 2026-04-13.

Conditions:
Autoinflammatory syndrome. Identifiers: Orphanet 93665, MedGen C3890737, MONDO:0019751.
Acrodermatitis continua suppurativa of Hallopeau (PSORS14). Also called: INTERLEUKIN 36 RECEPTOR ANTAGONIST DEFICIENCY; ACRODERMATITIS CONTINUA OF HALLOPEAU; Psoriasis 14, pustular. Identifiers: Orphanet 163931, MedGen C0392439, MONDO:0013626, OMIM 614204.
Generalized pustular psoriasis. Identifiers: Orphanet 247353, MedGen C0343055, MONDO:0100491.

Allele frequency attached by ClinVar (database versions not stated): ESP Exome Variant Server 0.00038; TOPMed 0.00241; gnomAD 0.00348; ExAC 0.00465; 1000 Genomes Project 30x 0.01234; 1000 Genomes Project 0.01318.
gnomAD v4.1: 2,517 of 1,613,984 alleles (0.16%); highest among the groups gnomAD compares: East Asian, 3.8%; 45 homozygotes.

Submissions (9):

Women's Health and Genetics/Laboratory Corporation of America, LabCorp
Classification: Likely benign. Last evaluated: 2026-04-13. Review status: criteria provided, single submitter. Criteria: LabCorp Variant Classification Summary - May 2015. Collection method: clinical testing. Allele origin: germline.

CeGaT Center for Human Genetics Tuebingen
Classification: Benign. Last evaluated: 2026-02-01. Review status: criteria provided, single submitter. Criteria: CeGaT Center For Human Genetics Tuebingen Variant Classification Criteria Version 2. Collection method: clinical testing. Allele origin: germline. Affected: yes. Observed: 1 variant allele.
Comment: IL36RN: BP4, BS1, BS2

Labcorp Genetics (formerly Invitae), Labcorp
Classification: Benign for Generalized pustular psoriasis. Last evaluated: 2026-02-01. Review status: criteria provided, single submitter. Criteria: Invitae Variant Classification Sherloc (09022015). Collection method: clinical testing. Allele origin: germline.

Genome Diagnostics Laboratory, The Hospital for Sick Children
Classification: Benign for Autoinflammatory syndrome. Last evaluated: 2021-12-23. Review status: criteria provided, single submitter. Criteria: ACMG Guidelines, 2015. Collection method: clinical testing. Allele origin: germline. Affected: yes.

Fulgent Genetics
Classification: Likely benign for Acrodermatitis continua suppurativa of Hallopeau. Last evaluated: 2021-10-12. Review status: criteria provided, single submitter. Criteria: ACMG Guidelines, 2015. Collection method: clinical testing. Allele origin: unknown.

Mayo Clinic Laboratories, Mayo Clinic
Classification: Benign. Last evaluated: 2019-11-13. Review status: criteria provided, single submitter. Criteria: ACMG Guidelines, 2015. Collection method: clinical testing. Allele origin: germline. Observed: 3 variant alleles.

GeneDx
Classification: Benign. Last evaluated: 2019-08-23. Review status: criteria provided, single submitter. Criteria: GeneDx Variant Classification Process June 2021. Collection method: clinical testing. Allele origin: germline. Affected: yes.
Comment: This variant is associated with the following publications: (PMID: 26589685, 33560533, 32613680, 31180159, 27542682)

Illumina Laboratory Services, Illumina
Classification: Benign for Acrodermatitis continua suppurativa of Hallopeau. Last evaluated: 2017-04-27. Review status: criteria provided, single submitter. Criteria: ICSL Variant Classification Criteria 13 December 2019. Collection method: clinical testing. Allele origin: germline.
Comment: This variant was observed as part of a predisposition screen in an ostensibly healthy population. A literature search was performed for the gene, cDNA change, and amino acid change (where applicable). Publications were found based on this search. The evidence from the literature, in combination with allele frequency data from public databases where available, was sufficient to rule this variant out of causing disease. Therefore, this variant is classified as benign.

Breakthrough Genomics
Classification: Benign. Review status: criteria provided, single submitter. Criteria: ACMG Guidelines, 2015. Collection method: not provided. Allele origin: germline. Inheritance: Autosomal recessive inheritance. Affected: yes.

Literature cited by the submitters: PubMed 25212972 (cited by Illumina Laboratory Services, Illumina); PubMed 27542682 (cited by Illumina Laboratory Services, Illumina); PubMed 25468355 (cited by Illumina Laboratory Services, Illumina).

NM_012275.3(IL36RN):c.140A>G (p.Asn47Ser)

Gene: IL36RN (interleukin 36 receptor antagonist; plus strand). Cytogenetic location: 2q14.1.
Variant type: single nucleotide variant.
Coding change: c.140A>G on transcript NM_012275.3 (MANE Select); coding-DNA position 140, A replaced by G.
Protein change: p.Asn47Ser; replaces asparagine 47 with serine.
Molecular consequence: missense variant.
Genome position (GRCh38, 1-based): chr2:113,062,148, A>G. VCF-style: chr2-113062148-A-G. GRCh37 (hg19) VCF-style: chr2-113819725-A-G.
Other names: p.Asn47Ser; c.140A>G, p.Asn47Ser (NM_173170.1); short protein forms N47S.
Identifiers: ClinVar variation 529887 (VCV000529887.29), dbSNP rs28938777, ClinGen allele CA1838371.